The following is an entry in ClinVar:

NM_004006.3(DMD):c.3004A>T (p.Thr1002Ser)

Gene: DMD (dystrophin; minus strand). Cytogenetic location: Xp21.1.
Variant type: single nucleotide variant.
Coding change: c.3004A>T on transcript NM_004006.3 (MANE Select); coding-DNA position 3004, A replaced by T.
Protein change: p.Thr1002Ser; replaces threonine 1002 with serine.
Molecular consequence: missense variant.
Genome position (GRCh38, 1-based): chrX:32,468,656, T>A on the plus strand (A>T on the coding strand, the complement: DMD is on the minus strand). VCF-style: chrX-32468656-T-A. GRCh37 (hg19) VCF-style: chrX-32486773-T-A.
Other names: c.2980A>T, p.Thr994Ser (NM_000109.4); c.2992A>T, p.Thr998Ser (NM_004009.3); c.2635A>T, p.Thr879Ser (NM_004010.3); short protein forms T1002S, T998S, T879S, T994S.
Identifiers: ClinVar variation 511426 (VCV000511426.16), dbSNP rs1244241099, ClinGen allele CA412667076.

ClinVar aggregate classification (germline): Conflicting classifications of pathogenicity. Review status: criteria provided, conflicting classifications (1 of 4 stars). 5 submissions from 5 submitters: Uncertain significance (2); Likely benign (3). Last evaluated 2025-04-08.

Conditions:
Duchenne muscular dystrophy (DMD). Also called: MUSCULAR DYSTROPHY, PSEUDOHYPERTROPHIC PROGRESSIVE, DUCHENNE TYPE; Duchenne Muscular Dystrophy (DMD). Identifiers: Orphanet 98896, MedGen C0013264, MONDO:0010679, OMIM 310200.
Cardiovascular phenotype. Identifiers: MedGen CN230736.

Allele frequency attached by ClinVar (database versions not stated): TOPMed 0.00002; gnomAD 0.00009.
gnomAD v4.1: 11 of 1,209,526 alleles (0.00091%); highest among the groups gnomAD compares: Non-Finnish European, 0.0012%; no homozygotes.

Submissions (5):

Molecular Diagnostic Laboratory for Inherited Cardiovascular Disease, Montreal Heart Institute
Classification: Likely benign. Last evaluated: 2025-04-08. Review status: criteria provided, single submitter. Criteria: ACMG Guidelines, 2015. Collection method: clinical testing. Allele origin: germline. Affected: no.
Comment: PM2, BP1, BP4

Labcorp Genetics (formerly Invitae), Labcorp
Classification: Likely benign for Duchenne muscular dystrophy. Last evaluated: 2024-05-13. Review status: criteria provided, single submitter. Criteria: Invitae Variant Classification Sherloc (09022015). Collection method: clinical testing. Allele origin: germline.

Women's Health and Genetics/Laboratory Corporation of America, LabCorp
Classification: Uncertain significance. Last evaluated: 2023-01-10. Review status: criteria provided, single submitter. Criteria: LabCorp Variant Classification Summary - May 2015. Collection method: clinical testing. Allele origin: germline.
Comment: Variant summary: DMD c.3004A>T (p.Thr1002Ser) results in a conservative amino acid change located in the central rod domain: repeat 6 (DMD Open-access Variant Explorer) of the encoded protein sequence. Four of four in-silico tools predict a benign effect of the variant on protein function. The variant allele was found at a frequency of 2.7e-05 in 110651 control chromosomes, including two hemizygotes of Non-Finnish European descent (gnomAD v3.1.2). However, the available data on variant occurrences in the general population are insufficient to allow any conclusion about variant significance. c.3004A>T has been reported in the literature in at least one individual affected with suspected hereditary neurological disease (e.g., Grunseich_2021) without strong evidence for causality (e.g., lack of co-occurrence and co-segregation data). This report therefore does not allow any conclusion about association of the variant with Duchenne Muscular Dystrophy. To our knowledge, no experimental evidence demonstrating an impact on protein function has been reported. Four clinical diagnostic laboratories have submitted clinical-significance assessments for this variant to ClinVar after 2014, with three laboratories citing the variant as uncertain significance and one lab citing the variant as likely benign. Based on the evidence outlined above, the variant was classified as VUS-possibly benign.

Ambry Genetics
Classification: Uncertain significance for Cardiovascular phenotype. Last evaluated: 2021-02-01. Review status: criteria provided, single submitter. Criteria: Ambry Variant Classification Scheme 2023. Collection method: clinical testing. Allele origin: germline.
Comment: The p.T1002S variant (also known as c.3004A>T), located in coding exon 23 of the DMD gene, results from an A to T substitution at nucleotide position 3004. The threonine at codon 1002 is replaced by serine, an amino acid with similar properties. Based on data from gnomAD, the T allele has an overall frequency of 0.01% (2/21884) total alleles studied, with 2 hemizygotes observed. The highest observed frequency was 0.02% (2/10790) of non-Finnish European alleles. This amino acid position is well conserved in available vertebrate species. In addition, this alteration is predicted to be tolerated by in silico analysis. Since supporting evidence is limited at this time, the clinical significance of this alteration remains unclear.

GeneDx
Classification: Likely benign. Last evaluated: 2017-08-21. Review status: criteria provided, single submitter. Criteria: GeneDx Variant Classification (06012015). Collection method: clinical testing. Allele origin: germline. Affected: yes.
Comment: This variant is considered likely benign or benign based on one or more of the following criteria: it is a conservative change, it occurs at a poorly conserved position in the protein, it is predicted to be benign by multiple in silico algorithms, and/or has population frequency not consistent with disease.

Literature cited by the submitters: PubMed 34103343 (cited by Women's Health and Genetics/Laboratory Corporation of America, LabCorp).